The following is an entry in ClinVar:

ClinVar aggregate classification (germline): Pathogenic (1 of 4 stars; one submission).

Submission:

Labcorp Genetics (formerly Invitae), Labcorp
Classification: Pathogenic. Last evaluated: 2022-02-02. Review status: criteria provided, single submitter. Criteria: Invitae Variant Classification Sherloc (09022015). Collection method: clinical testing. Allele origin: germline.
Comment: This variant has not been reported in the literature in individuals affected with TTC37-related conditions. For these reasons, this variant has been classified as Pathogenic. This variant is not present in population databases (gnomAD no frequency). This sequence change creates a premature translational stop signal (p.Gly387*) in the TTC37 gene. It is expected to result in an absent or disrupted protein product. Loss-of-function variants in TTC37 are known to be pathogenic (PMID: 20176027, 21120949).

Literature cited by the submitters: PubMed 20176027; PubMed 21120949.

NM_014639.4(SKIC3):c.1159G>T (p.Gly387Ter)

Gene: SKIC3 (SKI3 subunit of superkiller complex; minus strand). Cytogenetic location: 5q15.
Variant type: single nucleotide variant.
Coding change: c.1159G>T on transcript NM_014639.4 (MANE Select); coding-DNA position 1159, G replaced by T.
Protein change: p.Gly387Ter; replaces glycine 387 with a stop codon.
Molecular consequence: nonsense.
Genome position (GRCh38, 1-based): chr5:95,525,649, C>A on the plus strand (G>T on the coding strand, the complement: SKIC3 is on the minus strand). VCF-style: chr5-95525649-C-A. GRCh37 (hg19) VCF-style: chr5-94861353-C-A.
Other names: short protein forms G387*.
Identifiers: ClinVar variation 1415105 (VCV001415105.6), dbSNP rs2112339517, ClinGen allele CA360464928.
Genomic context (GRCh38, chr5:95,525,649, plus strand): 5'-TTGCAGCTTCATCAAATGAACCTTTGTTCCGATAGGCCAAGCTTTTGAGAACCAAAAGTC[C>A]TGGGATATTATCTGCATCAGAAATCTAGAAAATAATTGTAAAGAACTGCTATAAATCTCC-3'